The following is an entry in ClinVar:

ClinVar aggregate classification (germline): Uncertain significance (1 of 4 stars; one submission).

Conditions:
Neuronal ceroid lipofuscinosis. Also called: Neuronal Ceroid Lipofuscinoses. Identifiers: Orphanet 216, Orphanet 79263, MedGen C0027877, MONDO:0016295. Disease mechanism: loss of function.

Allele frequency attached by ClinVar (database versions not stated): gnomAD exomes below 0.00001.

Submission:

Labcorp Genetics (formerly Invitae), Labcorp
Classification: Uncertain significance for Neuronal ceroid lipofuscinosis. Last evaluated: 2023-12-07. Review status: criteria provided, single submitter. Criteria: Invitae Variant Classification Sherloc (09022015). Collection method: clinical testing. Allele origin: germline.
Comment: This sequence change replaces cysteine, which is neutral and slightly polar, with tryptophan, which is neutral and slightly polar, at codon 92 of the CLN3 protein (p.Cys92Trp). This variant is present in population databases (no rsID available, gnomAD 0.0009%). This variant has not been reported in the literature in individuals affected with CLN3-related conditions. ClinVar contains an entry for this variant (Variation ID: 1904277). An algorithm developed to predict the effect of missense changes on protein structure and function (PolyPhen-2) suggests that this variant is likely to be disruptive. In summary, the available evidence is currently insufficient to determine the role of this variant in disease. Therefore, it has been classified as a Variant of Uncertain Significance.

NM_001042432.2(CLN3):c.276C>G (p.Cys92Trp)

Gene: CLN3 (CLN3 lysosomal/endosomal transmembrane protein, battenin; minus strand). Cytogenetic location: 16p12.1.
Variant type: single nucleotide variant.
Coding change: c.276C>G on transcript NM_001042432.2 (MANE Select); coding-DNA position 276, C replaced by G.
Protein change: p.Cys92Trp; replaces cysteine 92 with tryptophan.
Molecular consequence: missense variant. On other transcripts: intron variant (2).
Genome position (GRCh38, 1-based): chr16:28,488,609, G>C on the plus strand (C>G on the coding strand, the complement: CLN3 is on the minus strand). VCF-style: chr16-28488609-G-C. GRCh37 (hg19) VCF-style: chr16-28499930-G-C.
Other names: c.60+681C>G (NM_001286109.2); c.222+681C>G (NM_001286104.2); c.276C>G, p.Cys92Trp (NM_000086.2); c.56C>G, p.Ala19Gly (NM_001286105.2); c.114C>G, p.Cys38Trp (NM_001286110.2); short protein forms A19G, C38W, C92W.
Identifiers: ClinVar variation 1904277 (VCV001904277.5), dbSNP rs1443772167, ClinGen allele CA395346223.
Genomic context (GRCh38, chr16:28,488,609, plus strand): 5'-GGGCCCTGGGTCAGGCAAGGACCAGGTGAGATGAGTACGCACAGCCGTAGAGACAGAGTT[G>C]CAGTCAAATCGTGATGAGCTGTTGTGGGGGATCGGCGTTGGGCCTGGGTCCACCTAATGG-3'
Protein context (NP_001035897.1, residues 82-102): IPHNSSSRFD[Cys92Trp]NSVSTAAVLL